The following is an entry in ClinVar:

ClinVar aggregate classification (germline): Uncertain significance (1 of 4 stars; one submission).

Conditions:
Familial adenomatous polyposis 1 (FAP1). Also called: FAMILIAL ADENOMATOUS POLYPOSIS 1, ATTENUATED; POLYPOSIS, ADENOMATOUS INTESTINAL. Identifiers: MedGen C2713442, MONDO:0021056, OMIM 175100. Disease mechanism: loss of function.

Allele frequency attached by ClinVar (database versions not stated): gnomAD exomes below 0.00001.
gnomAD v4.1: 4 of 1,614,030 alleles (0.00025%); highest among the groups gnomAD compares: Non-Finnish European, 0.00034%; no homozygotes.

Submission:

Labcorp Genetics (formerly Invitae), Labcorp
Classification: Uncertain significance for Familial adenomatous polyposis 1. Last evaluated: 2022-08-11. Review status: criteria provided, single submitter. Criteria: Invitae Variant Classification Sherloc (09022015). Collection method: clinical testing. Allele origin: germline.
Comment: This sequence change replaces glutamic acid, which is acidic and polar, with valine, which is neutral and non-polar, at codon 2662 of the APC protein (p.Glu2662Val). In summary, the available evidence is currently insufficient to determine the role of this variant in disease. Therefore, it has been classified as a Variant of Uncertain Significance. Algorithms developed to predict the effect of missense changes on protein structure and function are either unavailable or do not agree on the potential impact of this missense change (SIFT: "Deleterious"; PolyPhen-2: "Probably Damaging"; Align-GVGD: "Class C0"). This variant has not been reported in the literature in individuals affected with APC-related conditions. This variant is not present in population databases (gnomAD no frequency).

NM_000038.6(APC):c.7985A>T (p.Glu2662Val)

Gene: APC (APC regulator of Wnt signaling pathway; plus strand). Cytogenetic location: 5q22.2.
Variant type: single nucleotide variant.
Coding change: c.7985A>T on transcript NM_000038.6 (MANE Select); coding-DNA position 7985, A replaced by T.
Protein change: p.Glu2662Val; replaces glutamic acid 2662 with valine.
Molecular consequence: missense variant.
Genome position (GRCh38, 1-based): chr5:112,843,579, A>T. VCF-style: chr5-112843579-A-T. GRCh37 (hg19) VCF-style: chr5-112179276-A-T.
Other names: c.7985A>T, p.Glu2662Val (NM_001127510.3, NM_001354895.2, NM_001407450.1); c.7931A>T, p.Glu2644Val (NM_001127511.3); c.8039A>T, p.Glu2680Val (NM_001354896.2, NM_001407447.1, NM_001407448.1 and 1 more transcripts); c.8015A>T, p.Glu2672Val (NM_001354897.2); c.7910A>T, p.Glu2637Val (NM_001354898.2); c.7901A>T, p.Glu2634Val (NM_001354899.2); c.7862A>T, p.Glu2621Val (NM_001354900.2); c.7808A>T, p.Glu2603Val (NM_001354901.2, NM_001407453.1); and 11 more; short protein forms E2278V, E2672V, E2680V, E2379V, E2502V, E2536V, E2561V, E2571V.
Identifiers: ClinVar variation 1932430 (VCV001932430.5), dbSNP rs2149997418, ClinGen allele CA16038674.
Genomic context (GRCh38, chr5:112,843,579, plus strand): 5'-CTCTAATTTATCAAATGGCACCTGCTGTTTCTAAAACAGAGGATGTTTGGGTGAGAATTG[A>T]GGACTGTCCCATTAACAATCCTAGATCTGGAAGATCTCCCACAGGTAATACTCCCCCGGT-3'
Protein context (NP_000029.2, residues 2652-2672): SKTEDVWVRI[Glu2662Val]DCPINNPRSG